The following is an entry in ClinVar:

NM_005475.3(SH2B3):c.825T>G (p.Phe275Leu)

Gene: SH2B3 (SH2B adaptor protein 3; plus strand). Cytogenetic location: 12q24.12.
Variant type: single nucleotide variant.
Coding change: c.825T>G on transcript NM_005475.3 (MANE Select); coding-DNA position 825, T replaced by G.
Protein change: p.Phe275Leu; replaces phenylalanine 275 with leucine.
Molecular consequence: missense variant.
Genome position (GRCh38, 1-based): chr12:111,446,845, T>G. VCF-style: chr12-111446845-T-G. GRCh37 (hg19) VCF-style: chr12-111884649-T-G.
Other names: c.219T>G, p.Phe73Leu (NM_001291424.1); short protein forms F275L, F73L.
Identifiers: ClinVar variation 5029523 (VCV005029523.1).

ClinVar aggregate classification (germline): Uncertain significance (1 of 4 stars; one submission).

Conditions:
Inborn genetic diseases. Identifiers: MedGen C0950123, MeSH D030342.

Submission:

Ambry Genetics
Classification: Uncertain significance for Inborn genetic diseases. Last evaluated: 2026-09-09. Review status: criteria provided, single submitter. Criteria: Ambry Variant Classification Scheme 2023. Collection method: clinical testing. Allele origin: germline.
Comment: The p.F275L variant (also known as c.825T>G), located in coding exon 2 of the SH2B3 gene, results from a T to G substitution at nucleotide position 825. The phenylalanine at codon 275 is replaced by leucine, an amino acid with highly similar properties. This amino acid position is conserved. In addition, this alteration is predicted to be deleterious by in silico analysis. Based on the available evidence, the clinical significance of this variant remains unclear.